The following is an entry in ClinVar:

ClinVar aggregate classification (germline): Uncertain significance (1 of 4 stars; one submission).

Conditions:
Mucolipidosis type IV (ML4). Also called: ML IV. Identifiers: Orphanet 578, MedGen C0238286, MONDO:0009653, OMIM 252650.

Allele frequency attached by ClinVar (database versions not stated): TOPMed below 0.00001; ExAC 0.00001; gnomAD 0.00001; gnomAD exomes 0.00001.
gnomAD v4.1: 8 of 1,613,382 alleles (0.0005%); highest among the groups gnomAD compares: East Asian, 0.0045%; no homozygotes.

Submission:

Labcorp Genetics (formerly Invitae), Labcorp
Classification: Uncertain significance for Mucolipidosis type IV. Last evaluated: 2025-03-17. Review status: criteria provided, single submitter. Criteria: Invitae Variant Classification Sherloc (09022015). Collection method: clinical testing. Allele origin: germline.
Comment: This sequence change replaces cysteine, which is neutral and slightly polar, with tyrosine, which is neutral and polar, at codon 567 of the MCOLN1 protein (p.Cys567Tyr). This variant is present in population databases (rs762643471, gnomAD 0.006%). This variant has not been reported in the literature in individuals affected with MCOLN1-related conditions. ClinVar contains an entry for this variant (Variation ID: 2146682). Invitae Evidence Modeling of protein sequence and biophysical properties (such as structural, functional, and spatial information, amino acid conservation, physicochemical variation, residue mobility, and thermodynamic stability) indicates that this missense variant is not expected to disrupt MCOLN1 protein function with a negative predictive value of 95%. In summary, the available evidence is currently insufficient to determine the role of this variant in disease. Therefore, it has been classified as a Variant of Uncertain Significance.

NM_020533.3(MCOLN1):c.1700G>A (p.Cys567Tyr)

Gene: MCOLN1 (mucolipin TRP cation channel 1; plus strand). Cytogenetic location: 19p13.2.
Variant type: single nucleotide variant.
Coding change: c.1700G>A on transcript NM_020533.3 (MANE Select); coding-DNA position 1700, G replaced by A.
Protein change: p.Cys567Tyr; replaces cysteine 567 with tyrosine.
Molecular consequence: missense variant.
Genome position (GRCh38, 1-based): chr19:7,533,647, G>A. VCF-style: chr19-7533647-G-A. GRCh37 (hg19) VCF-style: chr19-7598533-G-A.
Other names: short protein forms C567Y.
Identifiers: ClinVar variation 2146682 (VCV002146682.4), dbSNP rs762643471, ClinGen allele CA9139223.